The following is an entry in ClinVar:

NM_005359.6(SMAD4):c.199C>T (p.His67Tyr)

Gene: SMAD4 (SMAD family member 4; plus strand). Cytogenetic location: 18q21.2.
Variant type: single nucleotide variant.
Coding change: c.199C>T on transcript NM_005359.6 (MANE Select); coding-DNA position 199, C replaced by T.
Protein change: p.His67Tyr; replaces histidine 67 with tyrosine.
Molecular consequence: missense variant. On other transcripts: non-coding transcript variant (2).
Genome position (GRCh38, 1-based): chr18:51,047,245, C>T. VCF-style: chr18-51047245-C-T. GRCh37 (hg19) VCF-style: chr18-48573615-C-T.
Other names: c.199C>T, p.His67Tyr (NM_001407041.1, NM_001407042.1, NM_001407043.1); short protein forms H67Y.
Identifiers: ClinVar variation 3445854 (VCV003445854.3).
Genomic context (GRCh38, chr18:51,047,245, plus strand): 5'-CTGAAGGAGAAAAAAGATGAATTGGATTCTTTAATAACAGCTATAACTACAAATGGAGCT[C>T]ATCCTAGTAAATGTGTTACCATACAGAGAACATTGGATGGGAGGCTTCAGGTTAGTCTTA-3'
Protein context (NP_005350.1, residues 57-77): LITAITTNGA[His67Tyr]PSKCVTIQRT

ClinVar aggregate classification (germline): Uncertain significance. Review status: criteria provided, multiple submitters, no conflicts (2 of 4 stars). 2 submissions from 2 submitters: Uncertain significance (2). Last evaluated 2024-09-05.

Conditions:
Juvenile polyposis syndrome (JPS). Identifiers: Orphanet 2929, MedGen C0345893, MONDO:0017380, OMIM 174900.
Hereditary cancer-predisposing syndrome. Also called: Hereditary Cancer Syndrome; Hereditary neoplastic syndrome; Neoplastic Syndromes, Hereditary; Tumor predisposition. Identifiers: Orphanet 140162, MedGen C0027672, MeSH D009386, MONDO:0015356.
Familial thoracic aortic aneurysm and aortic dissection (TAAD). Also called: Thoracic aortic aneurysms and dissections. Identifiers: Orphanet 91387, MedGen C4707243, MONDO:0019625.

Submissions (2):

Ambry Genetics
Classification: Uncertain significance for Hereditary cancer-predisposing syndrome; Familial thoracic aortic aneurysm and aortic dissection. Last evaluated: 2024-09-05. Review status: criteria provided, single submitter. Criteria: Ambry Variant Classification Scheme 2023. Collection method: clinical testing. Allele origin: germline.
Comment: The p.H67Y variant (also known as c.199C>T), located in coding exon 1 of the SMAD4 gene, results from a C to T substitution at nucleotide position 199. The histidine at codon 67 is replaced by tyrosine, an amino acid with similar properties. This amino acid position is conserved. In addition, the in silico prediction for this alteration is inconclusive. Based on the available evidence, the clinical significance of this variant remains unclear.

Labcorp Genetics (formerly Invitae), Labcorp
Classification: Uncertain significance for Juvenile polyposis syndrome. Last evaluated: 2024-04-27. Review status: criteria provided, single submitter. Criteria: Invitae Variant Classification Sherloc (09022015). Collection method: clinical testing. Allele origin: germline.
Comment: This sequence change replaces histidine, which is basic and polar, with tyrosine, which is neutral and polar, at codon 67 of the SMAD4 protein (p.His67Tyr). This variant is not present in population databases (gnomAD no frequency). This variant has not been reported in the literature in individuals affected with SMAD4-related conditions. Advanced modeling of protein sequence and biophysical properties (such as structural, functional, and spatial information, amino acid conservation, physicochemical variation, residue mobility, and thermodynamic stability) has been performed at Invitae for this missense variant, however the output from this modeling did not meet the statistical confidence thresholds required to predict the impact of this variant on SMAD4 protein function. In summary, the available evidence is currently insufficient to determine the role of this variant in disease. Therefore, it has been classified as a Variant of Uncertain Significance.